The following is an entry in ClinVar:

NM_001127898.4(CLCN5):c.1244G>T (p.Arg415Leu)

Gene: CLCN5 (Cl-/H+ antiporter 5; plus strand). Cytogenetic location: Xp11.23.
Variant type: single nucleotide variant.
Coding change: c.1244G>T on transcript NM_001127898.4 (MANE Select); coding-DNA position 1244, G replaced by T.
Protein change: p.Arg415Leu; replaces arginine 415 with leucine.
Molecular consequence: missense variant.
Genome position (GRCh38, 1-based): chrX:50,086,557, G>T. VCF-style: chrX-50086557-G-T. GRCh37 (hg19) VCF-style: chrX-49851214-G-T.
Other names: c.1034G>T, p.Arg345Leu (NM_000084.5); c.1244G>T, p.Arg415Leu (NM_001127899.4); c.1094G>T, p.Arg365Leu (NM_001282163.2); short protein forms R345L, R365L, R415L.
Identifiers: ClinVar variation 1450007 (VCV001450007.9), dbSNP rs190451218, ClinGen allele CA10413853.
Genomic context (GRCh38, chrX:50,086,557, plus strand): 5'-TGGGCATATTTGGTGGTCTGTGGGGAGCACTGTTTATCCGCACAAACATTGCCTGGTGTC[G>T]GAAGCGAAAGACCACCCAGTTGGGCAAGTATCCTGTTATAGAGGTACTCGTCGTGACAGC-3'
Protein context (NP_001121370.1, residues 405-425): LFIRTNIAWC[Arg415Leu]KRKTTQLGKY

ClinVar aggregate classification (germline): Uncertain significance. Review status: criteria provided, multiple submitters, no conflicts (2 of 4 stars). 2 submissions from 2 submitters: Uncertain significance (2). Last evaluated 2024-04-23.

Conditions:
Dent disease type 1 (DENT1). Also called: NEPHROLITHIASIS 2; NEPHROLITHIASIS, HYPERCALCIURIC, X-LINKED. Identifiers: Orphanet 1652, Orphanet 93622, MedGen C1848336, MONDO:0010225, OMIM 300009.
X-linked recessive nephrolithiasis with renal failure (XRN). Also called: NEPHROLITHIASIS 1; NEPHROLITHIASIS, X-LINKED RECESSIVE, TYPE 1; UROLITHIASIS, X-LINKED RECESSIVE, TYPE 1. Identifiers: Orphanet 1652, Orphanet 93622, MedGen C0403720, MONDO:0010687, OMIM 310468.
Proteinuria, low molecular weight, with hypercalciuria and nephrocalcinosis. Identifiers: Orphanet 1652, Orphanet 93622, MedGen C1839874, MONDO:0010644, OMIM 308990.
Hypophosphatemic rickets, X-linked recessive (XLHRR). Identifiers: Orphanet 1652, Orphanet 93622, MedGen C1845168, MONDO:0010358, OMIM 300554.

gnomAD v4.1: 39 of 1,208,482 alleles (0.0032%); highest among the groups gnomAD compares: Non-Finnish European, 0.0044%; no homozygotes.

Submissions (2):

Fulgent Genetics
Classification: Uncertain significance for Dent disease type 1; Hypophosphatemic rickets, X-linked recessive; Proteinuria, low molecular weight, with hypercalciuria and nephrocalcinosis; X-linked recessive nephrolithiasis with renal failure. Last evaluated: 2024-04-23. Review status: criteria provided, single submitter. Criteria: ACMG Guidelines, 2015. Collection method: clinical testing. Allele origin: germline.

Labcorp Genetics (formerly Invitae), Labcorp
Classification: Uncertain significance. Last evaluated: 2024-03-28. Review status: criteria provided, single submitter. Criteria: Invitae Variant Classification Sherloc (09022015). Collection method: clinical testing. Allele origin: germline.
Comment: This sequence change replaces arginine, which is basic and polar, with leucine, which is neutral and non-polar, at codon 345 of the CLCN5 protein (p.Arg345Leu). This variant is present in population databases (rs190451218, gnomAD 0.008%). This variant has not been reported in the literature in individuals affected with CLCN5-related conditions. ClinVar contains an entry for this variant (Variation ID: 1450007). An algorithm developed to predict the effect of missense changes on protein structure and function (PolyPhen-2) suggests that this variant is likely to be disruptive. In summary, the available evidence is currently insufficient to determine the role of this variant in disease. Therefore, it has been classified as a Variant of Uncertain Significance.